The following is an entry in ClinVar:

ClinVar aggregate classification (germline): Uncertain significance (1 of 4 stars; one submission).

Submission:

Athena Diagnostics
Classification: Uncertain significance. Last evaluated: 2025-06-30. Review status: criteria provided, single submitter. Criteria: Athena Diagnostics Criteria. Collection method: clinical testing. Allele origin: unknown.
Comment: Available data are insufficient to determine the clinical significance of the variant at this time. This variant has not been reported in large, multi-ethnic general populations. Polyphen and MutationTaster predict this amino acid change may be benign.

NM_001371596.2(MFSD8):c.1175A>T (p.Glu392Val)

Gene: MFSD8 (major facilitator superfamily domain containing 8; minus strand). Cytogenetic location: 4q28.2.
Variant type: single nucleotide variant.
Coding change: c.1175A>T on transcript NM_001371596.2 (MANE Select); coding-DNA position 1175, A replaced by T.
Protein change: p.Glu392Val; replaces glutamic acid 392 with valine.
Molecular consequence: missense variant. On other transcripts: 3 prime UTR variant (2).
Genome position (GRCh38, 1-based): chr4:127,921,699, T>A on the plus strand (A>T on the coding strand, the complement: MFSD8 is on the minus strand). VCF-style: chr4-127921699-T-A. GRCh37 (hg19) VCF-style: chr4-128842854-T-A.
Other names: c.974A>T, p.Glu325Val (NM_001363520.3); c.860A>T, p.Glu287Val (NM_001363521.3); c.1040A>T, p.Glu347Val (NM_001371590.2); c.1175A>T, p.Glu392Val (NM_001371591.2, NM_152778.4); c.1181A>T, p.Glu394Val (NM_001371592.2); c.1061A>T, p.Glu354Val (NM_001371593.2); c.1028A>T, p.Glu343Val (NM_001371594.2); c.893A>T, p.Glu298Val (NM_001371595.1); and 2 more; short protein forms E242V, E287V, E298V, E325V, E343V, E347V, E354V, E392V.
Identifiers: ClinVar variation 4682340 (VCV004682340.1).